The following is an entry in ClinVar:

ClinVar aggregate classification (germline): Pathogenic (1 of 4 stars; one submission).

Conditions:
Hereditary cancer-predisposing syndrome. Also called: Hereditary Cancer Syndrome; Neoplastic Syndromes, Hereditary; Hereditary neoplastic syndrome; Tumor predisposition. Identifiers: Orphanet 140162, MedGen C0027672, MeSH D009386, MONDO:0015356.

Submission:

Ambry Genetics
Classification: Pathogenic for Hereditary cancer-predisposing syndrome. Last evaluated: 2015-01-20. Review status: criteria provided, single submitter. Criteria: Ambry Variant Classification Scheme 2023. Collection method: clinical testing. Allele origin: germline.
Comment: The c.2656_2668del13insTCTAAA pathogenic mutation, located in coding exon 4 of the MSH6 gene, results from the deletion of 13 nucleotides and insertion of 6 nucleotides causing a translational frameshift with a predicted alternate stop codon. Since frameshifts are typically deleterious in nature, this alteration is interpreted as a disease-causing mutation (ACMG Recommendations for Standards for Interpretation and Reporting of Sequence Variations. Revision 2007. Genet Med. 2008;10:294).

NM_000179.3(MSH6):c.2656_2668delinsTCTAAA (p.Ile886fs)

Gene: MSH6 (mutS homolog 6; plus strand). Cytogenetic location: 2p16.3.
Variant type: Indel.
Coding change: c.2656_2668delinsTCTAAA on transcript NM_000179.3 (MANE Select); coding-DNA positions 2656 to 2668, ATCCTTAAGCAGG replaced by TCTAAA.
Protein change: p.Ile886fs; shifts the reading frame from isoleucine 886.
Molecular consequence: frameshift variant.
Genome position (GRCh38, 1-based): chr2:47,800,639-47,800,651, ATCCTTAAGCAGG replaced by TCTAAA. VCF-style: chr2-47800639-ATCCTTAAGCAGG-TCTAAA. GRCh37 (hg19) VCF-style: chr2-48027778-ATCCTTAAGCAGG-TCTAAA.
Other names: c.2266_2278delinsTCTAAA, p.Ile756fs (NM_001281492.2); c.1750_1762delinsTCTAAA, p.Ile584fs (NM_001281493.2, NM_001281494.2); short protein forms I886fs, I584fs, I756fs.
Identifiers: ClinVar variation 428308 (VCV000428308.5), dbSNP rs1114167703, ClinGen allele CA645369254.
Genomic context (GRCh38, chr2:47,800,639, plus strand): 5'-AAAGTAATGTGTAAAATTATAGGGATCATGGAAGAAGTTGCTGATGGTTTTAAGTCTAAA[ATCCTTAAGCAGG>TCTAAA]TCATCTCTCTGCAGACAAAAAATCCTGAAGGTCGTTTTCCTGATTTGACTGTAGAATTGA-3'